The following is an entry in ClinVar:

ClinVar aggregate classification (germline): Conflicting classifications of pathogenicity. Review status: criteria provided, conflicting classifications (1 of 4 stars). 3 submissions from 3 submitters: Pathogenic (2); Uncertain significance (1). Last evaluated 2025-10-28.

Conditions:
Cardiomyopathy (CMYO). Also called: Cardiomyopathies. Identifiers: Orphanet 167848, MedGen C0878544, MONDO:0004994, HP:0001638. Inheritance: Various modes of inheritance.
Cardiovascular phenotype. Identifiers: MedGen CN230736.

Allele frequency attached by ClinVar (database versions not stated): gnomAD exomes below 0.00001.
gnomAD v4.1: 2 of 1,613,836 alleles (0.00012%); highest among the groups gnomAD compares: Non-Finnish European, 0.00017%; no homozygotes.

Submissions (3):

Color Diagnostics, LLC DBA Color Health
Classification: Uncertain significance for Cardiomyopathy. Last evaluated: 2025-10-28. Review status: criteria provided, single submitter. Criteria: ACMG Guidelines, 2015. Collection method: clinical testing. Allele origin: germline.
Comment: This variant changes 1 nucleotide in exon 9 of the DSC2 gene, creating a premature translation stop signal. This variant is expected to result in an absent or non-functional protein product. To our knowledge, this variant has not been reported in individuals affected with DSC2-related disorders in the literature. This variant has been identified in 2/1613836 chromosomes in the general population by the Genome Aggregation Database (gnomAD). Clinical relevance of loss-of-function DSC2 variants in autosomal dominant cardiovascular disorders is not clearly established. The available evidence is insufficient to determine the role of this variant in disease conclusively. Therefore, this variant is classified as a Variant of Uncertain Significance.

Ambry Genetics
Classification: Pathogenic for Cardiovascular phenotype. Last evaluated: 2025-07-03. Review status: criteria provided, single submitter. Criteria: Ambry Variant Classification Scheme 2023. Collection method: clinical testing. Allele origin: germline.
Comment: The p.K405* pathogenic mutation (also known as c.1213A>T), located in coding exon 9 of the DSC2 gene, results from an A to T substitution at nucleotide position 1213. This changes the amino acid from a lysine to a stop codon within coding exon 9. This alteration is expected to result in loss of function by premature protein truncation or nonsense-mediated mRNA decay. As such, this alteration is interpreted as a disease-causing mutation.

CeGaT Center for Human Genetics Tuebingen
Classification: Pathogenic. Last evaluated: 2024-06-01. Review status: criteria provided, single submitter. Criteria: CeGaT Center For Human Genetics Tuebingen Variant Classification Criteria Version 2. Collection method: clinical testing. Allele origin: germline. Affected: yes. Observed: 1 variant allele.
Comment: DSC2: PVS1, PM2

Literature cited by the submitters: PubMed 31638835 (cited by Ambry Genetics).

NM_024422.6(DSC2):c.1213A>T (p.Lys405Ter)

Gene: DSC2 (desmocollin 2; minus strand). Cytogenetic location: 18q12.1.
Variant type: single nucleotide variant.
Coding change: c.1213A>T on transcript NM_024422.6 (MANE Select); coding-DNA position 1213, A replaced by T.
Protein change: p.Lys405Ter; replaces lysine 405 with a stop codon.
Molecular consequence: nonsense.
Genome position (GRCh38, 1-based): chr18:31,082,288, T>A on the plus strand (A>T on the coding strand, the complement: DSC2 is on the minus strand). VCF-style: chr18-31082288-T-A. GRCh37 (hg19) VCF-style: chr18-28662254-T-A.
Other names: c.1213A>T, p.Lys405Ter (NM_004949.5); short protein forms K405*.
Identifiers: ClinVar variation 919398 (VCV000919398.23), dbSNP rs1023394201, ClinGen allele CA297637655.
Genomic context (GRCh38, chr18:31,082,288, plus strand): 5'-TTATTCTTACCTTAACTACACAAAGAACTCCTTCATTGGTTTTGGCATCTGTTACAATTT[T>A]AAAATTGCCATTTTCATTGCCCTTTAAAATGGTATAATTAGCTCTCCAGTTAGCAGTATT-3'